The following is an entry in ClinVar:

NM_000089.4(COL1A2):c.1971+5G>A

Gene: COL1A2 (collagen type I alpha 2 chain; plus strand). Cytogenetic location: 7q21.3.
Variant type: single nucleotide variant.
Coding change: c.1971+5G>A on transcript NM_000089.4 (MANE Select); 5 bases into the intron after coding-DNA position 1971, G replaced by A.
Molecular consequence: intron variant.
Genome position (GRCh38, 1-based): chr7:94,417,836, G>A. VCF-style: chr7-94417836-G-A. GRCh37 (hg19) VCF-style: chr7-94047148-G-A.
Identifiers: ClinVar variation 360959 (VCV000360959.17), dbSNP rs375027186, ClinGen allele CA10629666.

ClinVar aggregate classification (germline): Conflicting classifications of pathogenicity. Review status: criteria provided, conflicting classifications (1 of 4 stars). 4 submissions from 3 submitters: Uncertain significance (3); Benign (1). Last evaluated 2024-04-13.

Conditions:
Osteogenesis imperfecta (OI). Identifiers: Orphanet 666, MedGen C0029434, MeSH D010013, MONDO:0019019.
Osteogenesis imperfecta type I (OI1). Also called: Lobstein disease; OI, TYPE I; OSTEOGENESIS IMPERFECTA TARDA; OSTEOGENESIS IMPERFECTA WITH BLUE SCLERAE; Classic Non-deforming Osteogenesis Imperfecta with Blue Sclerae; Osteogenesis imperfecta type 1. Identifiers: Orphanet 216796, Orphanet 666, MedGen C0023931, MONDO:0008146, OMIM 166200. Disease mechanism: loss of function.
Ehlers-Danlos syndrome, classic type, 1 (EDSCL1). Also called: EHLERS-DANLOS SYNDROME, GRAVIS TYPE; EHLERS-DANLOS SYNDROME, SEVERE CLASSIC TYPE; Ehlers-Danlos Syndrome, Classic Type, COL5A1-Related; EDS I; Ehlers-Danlos syndrome, type 1. Identifiers: MedGen C0268335, MONDO:0019567, OMIM 130000.
Ehlers-Danlos syndrome, arthrochalasia type, 2. Also called: EHLERS-DANLOS SYNDROME, TYPE VIIB, AUTOSOMAL DOMINANT. Identifiers: MedGen CN293783, MONDO:0040501, OMIM 617821.

Allele frequency attached by ClinVar (database versions not stated): TOPMed 0.00003; gnomAD 0.00001; gnomAD exomes 0.00002.
gnomAD v4.1: 36 of 1,584,402 alleles (0.0023%); highest among the groups gnomAD compares: Admixed American, 0.0053%; no homozygotes.

Submissions (4):

Labcorp Genetics (formerly Invitae), Labcorp
Classification: Uncertain significance for Osteogenesis imperfecta type I; Ehlers-Danlos syndrome, classic type, 1. Last evaluated: 2024-04-13. Review status: criteria provided, single submitter. Criteria: Invitae Variant Classification Sherloc (09022015). Collection method: clinical testing. Allele origin: germline.
Comment: This sequence change falls in intron 32 of the COL1A2 gene. It does not directly change the encoded amino acid sequence of the COL1A2 protein. It affects a nucleotide within the consensus splice site. The frequency data for this variant in the population databases is considered unreliable, as metrics indicate poor data quality at this position in the gnomAD database. This variant has not been reported in the literature in individuals affected with COL1A2-related conditions. ClinVar contains an entry for this variant (Variation ID: 360959). Variants that disrupt the consensus splice site are a relatively common cause of aberrant splicing (PMID: 17576681, 9536098). Algorithms developed to predict the effect of sequence changes on RNA splicing suggest that this variant is not likely to affect RNA splicing. In summary, the available evidence is currently insufficient to determine the role of this variant in disease. Therefore, it has been classified as a Variant of Uncertain Significance.

Illumina Laboratory Services, Illumina
Classification: Uncertain significance for Ehlers-Danlos syndrome, arthrochalasia type, 2. Last evaluated: 2018-01-12. Review status: criteria provided, single submitter. Criteria: ICSL Variant Classification Criteria 13 December 2019. Collection method: clinical testing. Allele origin: germline.

Illumina Laboratory Services, Illumina
Classification: Uncertain significance for Osteogenesis imperfecta. Last evaluated: 2018-01-12. Review status: criteria provided, single submitter. Criteria: ICSL Variant Classification Criteria 13 December 2019. Collection method: clinical testing. Allele origin: germline.

GeneDx
Classification: Benign. Last evaluated: 2015-03-03. Review status: criteria provided, single submitter. Criteria: GeneDx Variant Classification Process June 2021. Collection method: clinical testing. Allele origin: germline. Affected: yes.

Literature cited by the submitters: PubMed 17576681 (cited by Labcorp Genetics (formerly Invitae), Labcorp); PubMed 9536098 (cited by Labcorp Genetics (formerly Invitae), Labcorp).